The following is an entry in ClinVar:

ClinVar aggregate classification (germline): Uncertain significance (1 of 4 stars; one submission).

Conditions:
Familial thoracic aortic aneurysm and aortic dissection (TAAD). Also called: Thoracic aortic aneurysms and dissections. Identifiers: Orphanet 91387, MedGen C4707243, MONDO:0019625.

Submission:

Ambry Genetics
Classification: Uncertain significance for Familial thoracic aortic aneurysm and aortic dissection. Last evaluated: 2024-01-29. Review status: criteria provided, single submitter. Criteria: Ambry Variant Classification Scheme 2023. Collection method: clinical testing. Allele origin: germline.
Comment: The p.H473Y variant (also known as c.1417C>T), located in coding exon 13 of the PLOD1 gene, results from a C to T substitution at nucleotide position 1417. The histidine at codon 473 is replaced by tyrosine, an amino acid with similar properties. This amino acid position is conserved. In addition, this alteration is predicted to be tolerated by in silico analysis. Based on the available evidence, the clinical significance of this alteration remains unclear.

NM_000302.4(PLOD1):c.1417C>T (p.His473Tyr)

Gene: PLOD1 (procollagen-lysine,2-oxoglutarate 5-dioxygenase 1; plus strand). Cytogenetic location: 1p36.22.
Variant type: single nucleotide variant.
Coding change: c.1417C>T on transcript NM_000302.4 (MANE Select); coding-DNA position 1417, C replaced by T.
Protein change: p.His473Tyr; replaces histidine 473 with tyrosine.
Molecular consequence: missense variant.
Genome position (GRCh38, 1-based): chr1:11,964,732, C>T. VCF-style: chr1-11964732-C-T. GRCh37 (hg19) VCF-style: chr1-12024789-C-T.
Other names: c.1558C>T, p.His520Tyr (NM_001316320.2); short protein forms H473Y, H520Y.
Identifiers: ClinVar variation 3231124 (VCV003231124.1), dbSNP rs2100758347, ClinGen allele CA338443641.